The following is an entry in ClinVar:

NM_007315.4(STAT1):c.861C>G (p.Tyr287Ter)

Gene: STAT1 (signal transducer and activator of transcription 1; minus strand). Cytogenetic location: 2q32.2.
Variant type: single nucleotide variant.
Coding change: c.861C>G on transcript NM_007315.4 (MANE Select); coding-DNA position 861, C replaced by G.
Protein change: p.Tyr287Ter; replaces tyrosine 287 with a stop codon.
Molecular consequence: nonsense. On other transcripts: intron variant (1).
Genome position (GRCh38, 1-based): chr2:190,995,144, G>C on the plus strand (C>G on the coding strand, the complement: STAT1 is on the minus strand). VCF-style: chr2-190995144-G-C. GRCh37 (hg19) VCF-style: chr2-191859870-G-C.
Other names: c.861C>G, p.Tyr287Ter (NM_001384887.1, NM_001384888.1, NM_001384889.1 and 4 more transcripts); c.771C>G, p.Tyr257Ter (NM_001384890.1); c.897C>G, p.Tyr299Ter (NM_001384891.1); c.785+2712C>G (NM_001384885.1); c.867C>G, p.Tyr289Ter (NM_001384881.1, NM_001384884.1); c.762C>G, p.Tyr254Ter (NM_001384883.1); short protein forms Y287*, Y289*, Y299*, Y257*, Y254*.
Identifiers: ClinVar variation 2942064 (VCV002942064.3), dbSNP rs888084670, ClinGen allele CA349921799.

ClinVar aggregate classification (germline): Pathogenic (1 of 4 stars; one submission).

Conditions:
Immunodeficiency 31B. Also called: STAT1 DEFICIENCY, AUTOSOMAL RECESSIVE; IMMUNODEFICIENCY 31B, MYCOBACTERIAL AND VIRAL INFECTIONS, AUTOSOMAL RECESSIVE. Identifiers: Orphanet 391311, MedGen C3151088, MONDO:0013427, OMIM 613796.
Autoimmune enteropathy and endocrinopathy - susceptibility to chronic infections syndrome. Also called: Immunodeficiency 31C, autosomal dominant; Immunodeficiency 31C. Identifiers: Orphanet 391487, MedGen C3279990, MONDO:0013599, OMIM 614162.
Mendelian susceptibility to mycobacterial diseases due to partial STAT1 deficiency. Also called: IMMUNODEFICIENCY 31A, MYCOBACTERIOSIS, AUTOSOMAL DOMINANT; STAT1 DEFICIENCY, AUTOSOMAL DOMINANT; Immunodeficiency 31a. Identifiers: Orphanet 319595, MedGen C4013950, MONDO:0013956, OMIM 614892.

Submission:

Labcorp Genetics (formerly Invitae), Labcorp
Classification: Pathogenic for Mendelian susceptibility to mycobacterial diseases due to partial STAT1 deficiency; Immunodeficiency 31B; Autoimmune enteropathy and endocrinopathy - susceptibility to chronic infections syndrome. Last evaluated: 2022-12-04. Review status: criteria provided, single submitter. Criteria: Invitae Variant Classification Sherloc (09022015). Collection method: clinical testing. Allele origin: germline.
Comment: This sequence change creates a premature translational stop signal (p.Tyr287*) in the STAT1 gene. It is expected to result in an absent or disrupted protein product. Loss-of-function variants in STAT1 are known to be pathogenic (PMID: 22651901). This variant is not present in population databases (gnomAD no frequency). This variant has not been reported in the literature in individuals affected with STAT1-related conditions. For these reasons, this variant has been classified as Pathogenic.

Literature cited by the submitters: PubMed 22651901.